The following is an entry in ClinVar:

NM_001042492.3(NF1):c.4340A>C (p.Gln1447Pro)

Gene: NF1 (neurofibromin 1; plus strand). Cytogenetic location: 17q11.2.
Variant type: single nucleotide variant.
Coding change: c.4340A>C on transcript NM_001042492.3 (MANE Select); coding-DNA position 4340, A replaced by C.
Protein change: p.Gln1447Pro; replaces glutamine 1447 with proline.
Molecular consequence: missense variant.
Genome position (GRCh38, 1-based): chr17:31,259,039, A>C. VCF-style: chr17-31259039-A-C. GRCh37 (hg19) VCF-style: chr17-29586057-A-C.
Other names: c.4277A>C, p.Gln1426Pro (NM_000267.4); short protein forms Q1426P, Q1447P.
Identifiers: ClinVar variation 428987 (VCV000428987.7), dbSNP rs786204157, ClinGen allele CA398998698.

ClinVar aggregate classification (germline): Pathogenic/Likely pathogenic. Review status: criteria provided, multiple submitters, no conflicts (2 of 4 stars). 4 submissions from 4 submitters: Pathogenic (2); Likely pathogenic (2). Last evaluated 2023-04-22.

Conditions:
Hereditary cancer-predisposing syndrome. Also called: Hereditary neoplastic syndrome; Tumor predisposition; Neoplastic Syndromes, Hereditary; Hereditary Cancer Syndrome. Identifiers: Orphanet 140162, MedGen C0027672, MeSH D009386, MONDO:0015356.
Neurofibromatosis, type 1 (NF1). Also called: Neurofibromatosis, type I; NEUROFIBROMATOSIS, TYPE I, SOMATIC; Peripheral type neurofibromatosis; VON RECKLINGHAUSEN DISEASE. Identifiers: Orphanet 636, MedGen C0027831, MONDO:0018975, OMIM 162200. Disease mechanism: loss of function.

Submissions (4):

Labcorp Genetics (formerly Invitae), Labcorp
Classification: Pathogenic for Neurofibromatosis, type 1. Last evaluated: 2023-04-22. Review status: criteria provided, single submitter. Criteria: Invitae Variant Classification Sherloc (09022015). Collection method: clinical testing. Allele origin: germline.
Comment: For these reasons, this variant has been classified as Pathogenic. This variant disrupts the p.Gln1426 amino acid residue in NF1. Other variant(s) that disrupt this residue have been determined to be pathogenic (PMID: 23913538, 26969325; Invitae). This suggests that this residue is clinically significant, and that variants that disrupt this residue are likely to be disease-causing. Advanced modeling of protein sequence and biophysical properties (such as structural, functional, and spatial information, amino acid conservation, physicochemical variation, residue mobility, and thermodynamic stability) performed at Invitae indicates that this missense variant is expected to disrupt NF1 protein function. ClinVar contains an entry for this variant (Variation ID: 428987). This missense change has been observed in individual(s) with NF1-related conditions (PMID: 26969325). This variant is not present in population databases (gnomAD no frequency). This sequence change replaces glutamine, which is neutral and polar, with proline, which is neutral and non-polar, at codon 1426 of the NF1 protein (p.Gln1426Pro).

Genome-Nilou Lab
Classification: Likely pathogenic for Neurofibromatosis, type 1. Last evaluated: 2022-03-15. Review status: criteria provided, single submitter. Criteria: ACMG Guidelines, 2015. Collection method: clinical testing. Allele origin: germline. Affected: no.

Center for Human Genetics, Inc
Classification: Pathogenic for Neurofibromatosis, type 1. Last evaluated: 2016-11-01. Review status: criteria provided, single submitter. Criteria: ACMG Guidelines, 2015. Collection method: clinical testing. Allele origin: germline. Affected: yes.

Ambry Genetics
Classification: Likely pathogenic for Hereditary cancer-predisposing syndrome. Last evaluated: 2016-03-29. Review status: criteria provided, single submitter. Criteria: Ambry Autosomal Dominant and X-Linked criteria (10/2015). Collection method: clinical testing. Allele origin: germline. Observed: 1 variant allele.
Comment: The p.Q1447Pvariant (also known as c.4340A>C, p.Q1426P, andc.4277A>C), located in coding exon 32 of the NF1 gene, results from an A to C substitution at nucleotide position 4277. The glutamine at codon 1426 is replaced by proline, an amino acid with similar properties. This alteration (referred to asp.Q1426P)has been reported in the literature in an individual meeting the NIH clinical criteria for NF1(Hutter S et al, Hum. Genet. 2016 Mar. Epub ahead of print). In addition, another alteration at the same codon (p.Q1426R) has been reported in an individual with Watson syndrome, an NF1-related disorder (Ben-Shachar S et al, Eur. J. Hum. Genet. 2013 May; 21(5):535-9). This variant was not reported in population based cohorts in the following databases: Database of Single Nucleotide Polymorphisms (dbSNP), NHLBI Exome Sequencing Project (ESP), and 1000 Genomes Project. In the ESP, this variant was not observed in 6500 samples (13000 alleles) with coverage at this position. This amino acid position is highly conserved in available vertebrate species. In addition, this alteration is predicted to be deleterious by in silico analysis. Based on the majority of available evidence to date, this variant is likely to be pathogenic.

Literature cited by the submitters: PubMed 23913538 (cited by Labcorp Genetics (formerly Invitae), Labcorp); PubMed 26969325 (cited by Labcorp Genetics (formerly Invitae), Labcorp and Ambry Genetics); PubMed 23047742 (cited by Ambry Genetics).